The following is an entry in ClinVar:

ClinVar aggregate classification (germline): Uncertain significance. Review status: criteria provided, multiple submitters, no conflicts (2 of 4 stars). 2 submissions from 2 submitters: Uncertain significance (2). Last evaluated 2019-11-27.

Conditions:
Cirrhosis, familial. Identifiers: Orphanet 209919, MedGen C1861556, MONDO:0007329, OMIM 215600.

Allele frequency attached by ClinVar (database versions not stated): gnomAD exomes 0.00003 and 0.00004; ExAC 0.00006; gnomAD 0.00017 and 0.00020; 1000 Genomes Project 30x 0.00047; 1000 Genomes Project 0.00040.
gnomAD v4.1: 90 of 1,610,924 alleles (0.0056%); highest among the groups gnomAD compares: Middle Eastern, 0.16%; no homozygotes.

Submissions (2):

Baylor Genetics
Classification: Uncertain significance for Cirrhosis, familial. Last evaluated: 2019-11-27. Review status: criteria provided, single submitter. Criteria: ACMG Guidelines, 2015. Collection method: clinical testing. Allele origin: unknown. Affected: yes.
Comment: This variant was determined to be of uncertain significance according to ACMG Guidelines, 2015 [PMID:25741868].

Breakthrough Genomics
Classification: Uncertain significance. Review status: criteria provided, single submitter. Criteria: ACMG Guidelines, 2015. Collection method: not provided. Allele origin: germline. Inheritance: Autosomal recessive inheritance. Affected: yes.

NM_000224.3(KRT18):c.206G>C (p.Gly69Ala)

Genes: KRT18 (keratin 18; plus strand), KRT8 (keratin 8; minus strand), LOC106096416 (KRT18 locus control region; plus strand). Cytogenetic location: 12q13.13.
Variant type: single nucleotide variant.
Coding change: c.206G>C on transcript NM_000224.3 (MANE Select); coding-DNA position 206, G replaced by C.
Protein change: p.Gly69Ala; replaces glycine 69 with alanine.
Molecular consequence: missense variant. On other transcripts: intron variant (1).
Genome position (GRCh38, 1-based): chr12:52,949,379, G>C. VCF-style: chr12-52949379-G-C. GRCh37 (hg19) VCF-style: chr12-53343163-G-C.
Other names: c.206G>C, p.Gly69Ala (NM_199187.2); c.-47+336C>G (NM_001256293.2); short protein forms G69A.
Identifiers: ClinVar variation 1029724 (VCV001029724.4), dbSNP rs532875586, ClinGen allele CA6590757.
Genomic context (GRCh38, chr12:52,949,379, plus strand): 5'-CCCGCTCCACCAGCTTCAGGGGCGGCATGGGGTCCGGGGGCCTGGCCACCGGGATAGCCG[G>C]GGGTCTGGCAGGAATGGGAGGCATCCAGAACGAGAAGGAGACCATGCAAAGCCTGAACGA-3'
Protein context (NP_000215.1, residues 59-79): GSGGLATGIA[Gly69Ala]GLAGMGGIQN